The following is an entry in ClinVar:

ClinVar aggregate classification (germline): Conflicting classifications of pathogenicity. Review status: criteria provided, conflicting classifications (1 of 4 stars). 2 submissions from 2 submitters: Uncertain significance (1); Likely benign (1). Last evaluated 2025-06-18.

Conditions:
Febrile seizures, familial, 11 (FEB11). Also called: CONVULSIONS, FAMILIAL FEBRILE, 11. Identifiers: MedGen C3280734, MONDO:0024566, OMIM 614418.

Allele frequency attached by ClinVar (database versions not stated): gnomAD 0.00001; TOPMed 0.00001.
gnomAD v4.1: 59 of 1,612,660 alleles (0.0037%); highest among the groups gnomAD compares: South Asian, 0.012%; 1 homozygote.

Submissions (2):

Ambry Genetics
Classification: Likely benign. Last evaluated: 2025-06-18. Review status: criteria provided, single submitter. Criteria: Ambry Variant Classification Scheme 2023. Collection method: clinical testing. Allele origin: germline.

Labcorp Genetics (formerly Invitae), Labcorp
Classification: Uncertain significance for Febrile seizures, familial, 11. Last evaluated: 2020-07-01. Review status: criteria provided, single submitter. Criteria: Invitae Variant Classification Sherloc (09022015). Collection method: clinical testing. Allele origin: germline.
Comment: This variant is not present in population databases (ExAC no frequency). This variant has not been reported in the literature in individuals with CPA6-related conditions. Algorithms developed to predict the effect of missense changes on protein structure and function output the following: SIFT: "Tolerated"; PolyPhen-2: "Probably Damaging"; Align-GVGD: "Class C0". The cysteine amino acid residue is found in multiple mammalian species, suggesting that this missense change does not adversely affect protein function. These predictions have not been confirmed by published functional studies and their clinical significance is uncertain. In summary, the available evidence is currently insufficient to determine the role of this variant in disease. Therefore, it has been classified as a Variant of Uncertain Significance. This sequence change replaces arginine with cysteine at codon 36 of the CPA6 protein (p.Arg36Cys). The arginine residue is weakly conserved and there is a large physicochemical difference between arginine and cysteine.

NM_020361.5(CPA6):c.106C>T (p.Arg36Cys)

Gene: CPA6 (carboxypeptidase A6; minus strand). Cytogenetic location: 8q13.2.
Variant type: single nucleotide variant.
Coding change: c.106C>T on transcript NM_020361.5 (MANE Select); coding-DNA position 106, C replaced by T.
Protein change: p.Arg36Cys; replaces arginine 36 with cysteine.
Molecular consequence: missense variant.
Genome position (GRCh38, 1-based): chr8:67,746,024, G>A on the plus strand (C>T on the coding strand, the complement: CPA6 is on the minus strand). VCF-style: chr8-67746024-G-A. GRCh37 (hg19) VCF-style: chr8-68658259-G-A.
Other names: c.106C>T (NM_020361.4); short protein forms R36C.
Identifiers: ClinVar variation 998625 (VCV000998625.9), dbSNP rs752233230, ClinGen allele CA178559797.
Genomic context (GRCh38, chr8:67,746,024, plus strand): 5'-CCCCAGATCCAAATCAAAGCTGTGTAGGGCATGAATGTCGCTCCACTTACCCAGCATAGC[G>A]GTTGTTATAAAGGTGGCTGTGCCCCGGTTGCAGAATCTTCAAAAAGAGCCAGCAAAGAGG-3'
Protein context (NP_065094.3, residues 26-46): QPGHSHLYNN[Arg36Cys]YAGDKVIRFI